The following is an entry in ClinVar:

ClinVar aggregate classification (germline): Likely pathogenic (1 of 4 stars; one submission).

Conditions:
Marfan syndrome (MFS). Also called: MARFAN SYNDROME, TYPE I; Marfan syndrome type 1; Marfan's syndrome; Marfan syndrome, classic; FBN1-Related Marfan Syndrome. Identifiers: Orphanet 284963, Orphanet 558, MedGen C0024796, MONDO:0007947, OMIM 154700.
Familial thoracic aortic aneurysm and aortic dissection (TAAD). Also called: Thoracic aortic aneurysms and dissections. Identifiers: Orphanet 91387, MedGen C4707243, MONDO:0019625.

Submission:

Labcorp Genetics (formerly Invitae), Labcorp
Classification: Likely pathogenic for Marfan syndrome; Familial thoracic aortic aneurysm and aortic dissection. Last evaluated: 2021-07-26. Review status: criteria provided, single submitter. Criteria: Invitae Variant Classification Sherloc (09022015). Collection method: clinical testing. Allele origin: germline.
Comment: This variant, c.7713_7730del, results in the deletion of 6 amino acid(s) of the FBN1 protein (p.Glu2572_Cys2577del), but otherwise preserves the integrity of the reading frame. This variant is not present in population databases (ExAC no frequency). This variant has been observed in individual(s) with ectopia lentis (Invitae). This variant affects a cysteine residue in the EGF-like, TGFBP or hybrid motif domains of FBN1. Cysteine residues are believed to be involved in intramolecular disulfide bridges and have been shown to be important for FBN1 protein structure (PMID: 16905551, 19349279). In addition, missense substitutions affecting cysteine residues within these domains are significantly overrepresented among patients with Marfan syndrome (PMID: 16571647, 17701892). In summary, the currently available evidence indicates that the variant is pathogenic, but additional data are needed to prove that conclusively. Therefore, this variant has been classified as Likely Pathogenic.

Literature cited by the submitters: PubMed 16905551; PubMed 19349279; PubMed 16571647; PubMed 17701892.

NM_000138.5(FBN1):c.7713_7730del (p.Glu2572_Cys2577del)

Gene: FBN1 (fibrillin 1; minus strand). Cytogenetic location: 15q21.1.
Variant type: Deletion.
Coding change: c.7713_7730del on transcript NM_000138.5 (MANE Select); coding-DNA positions 7713 to 7730, 18 bases deleted (TGAGGGTAACCACCGCTG).
Protein change: p.Glu2572_Cys2577del.
Molecular consequence: inframe deletion.
Genome position (GRCh38, 1-based): chr15:48,420,776-48,420,793, CAGCGGTGGTTACCCTCA deleted on the plus strand (TGAGGGTAACCACCGCTG on the coding strand, the reverse complement: FBN1 is on the minus strand); deleting any 18 consecutive bases within chr15:48,420,776-48,420,795 gives the same sequence; the c. name uses the placement nearest the transcript's 3' end. VCF-style (leftmost placement, unchanged base first): chr15-48420775-GCAGCGGTGGTTACCCTCA-G. GRCh37 (hg19) VCF-style: chr15-48712972-GCAGCGGTGGTTACCCTCA-G.
Identifiers: ClinVar variation 1485913 (VCV001485913.8), dbSNP rs2141220791, ClinGen allele CA2573150968.